The following is an entry in ClinVar:

NM_022489.4(INF2):c.740C>T (p.Ala247Val)

Gene: INF2 (inverted formin 2; plus strand). Cytogenetic location: 14q32.33.
Variant type: single nucleotide variant.
Coding change: c.740C>T on transcript NM_022489.4 (MANE Select); coding-DNA position 740, C replaced by T.
Protein change: p.Ala247Val; replaces alanine 247 with valine.
Molecular consequence: missense variant.
Genome position (GRCh38, 1-based): chr14:104,706,073, C>T. VCF-style: chr14-104706073-C-T. GRCh37 (hg19) VCF-style: chr14-105172410-C-T.
Other names: c.740C>T, p.Ala247Val (NM_001031714.4); short protein forms A247V.
Identifiers: ClinVar variation 851498 (VCV000851498.9), dbSNP rs1211857426, ClinGen allele CA391213957.
Genomic context (GRCh38, chr14:104,706,073, plus strand): 5'-CCACCTGGCCCCTCCTGCACAGAGACCTGGAGGATGCCGACCTGCTGATCCAGCTGGAGG[C>T]TTTCGAGGAGGCTAAGGCCGAGGACGAGGAGGAGCTGCTGCGAGTCTCTGGCGGGGTCGA-3'
Protein context (NP_071934.3, residues 237-257): EDADLLIQLE[Ala247Val]FEEAKAEDEE

ClinVar aggregate classification (germline): Uncertain significance (1 of 4 stars; one submission).

Conditions:
Charcot-Marie-Tooth disease dominant intermediate E. Also called: CHARCOT-MARIE-TOOTH NEUROPATHY WITH FOCAL SEGMENTAL GLOMERULONEPHRITIS. Identifiers: Orphanet 93114, MedGen C4302667, MONDO:0013758, OMIM 614455.
Focal segmental glomerulosclerosis 5 (FSGS5). Identifiers: Orphanet 656, MedGen C2750475, MONDO:0013191, OMIM 613237.

Allele frequency attached by ClinVar (database versions not stated): gnomAD exomes below 0.00001.

Submission:

Labcorp Genetics (formerly Invitae), Labcorp
Classification: Uncertain significance for Charcot-Marie-Tooth disease dominant intermediate E; Focal segmental glomerulosclerosis 5. Last evaluated: 2019-12-01. Review status: criteria provided, single submitter. Criteria: Invitae Variant Classification Sherloc (09022015). Collection method: clinical testing. Allele origin: germline.
Comment: In summary, the available evidence is currently insufficient to determine the role of this variant in disease. Therefore, it has been classified as a Variant of Uncertain Significance. Algorithms developed to predict the effect of missense changes on protein structure and function are either unavailable or do not agree on the potential impact of this missense change (SIFT: "Tolerated"; PolyPhen-2: "Possibly Damaging"; Align-GVGD: "Class C0"). This variant has not been reported in the literature in individuals with INF2-related conditions. This variant is not present in population databases (ExAC no frequency). This sequence change replaces alanine with valine at codon 247 of the INF2 protein (p.Ala247Val). The alanine residue is weakly conserved and there is a small physicochemical difference between alanine and valine.